The following is an entry in ClinVar:

NM_024782.3(NHEJ1):c.584T>C (p.Ile195Thr)

Gene: NHEJ1 (non-homologous end joining factor 1; minus strand). Cytogenetic location: 2q35.
Variant type: single nucleotide variant.
Coding change: c.584T>C on transcript NM_024782.3 (MANE Select); coding-DNA position 584, T replaced by C.
Protein change: p.Ile195Thr; replaces isoleucine 195 with threonine.
Molecular consequence: missense variant. On other transcripts: non-coding transcript variant (1).
Genome position (GRCh38, 1-based): chr2:219,146,684, A>G on the plus strand (T>C on the coding strand, the complement: NHEJ1 is on the minus strand). VCF-style: chr2-219146684-A-G. GRCh37 (hg19) VCF-style: chr2-220011406-A-G.
Other names: c.584T>C, p.Ile195Thr (NM_001377498.1, NM_001377499.1); short protein forms I195T.
Identifiers: ClinVar variation 2075201 (VCV002075201.4), dbSNP rs757690167, ClinGen allele CA2116940.

ClinVar aggregate classification (germline): Uncertain significance (1 of 4 stars; one submission).

Conditions:
Cernunnos-XLF deficiency (IMD124). Also called: NHEJ1 SYNDROME; SCID, AUTOSOMAL RECESSIVE, T CELL-NEGATIVE, B CELL-NEGATIVE, NK CELL-POSITIVE, WITH MICROCEPHALY, GROWTH RETARDATION, AND SENSITIVITY TO IONIZING RADIATION; Severe combined immunodeficiency with sensitivity to ionizing radiation due to NHEJ1 deficiency; SCID, autosomal recessive, T cell-negative, B cell-negative, NK cell-positive, and sensitivity to ionizing radiation due to NHEJ1 deficiency; IMMUNODEFICIENCY 124, SEVERE COMBINED. Identifiers: Orphanet 169079, MedGen C1969799, MONDO:0012650, OMIM 611291.

Allele frequency attached by ClinVar (database versions not stated): ExAC 0.00001.
gnomAD v4.1: 4 of 1,608,576 alleles (0.00025%); no homozygotes.

Submission:

Labcorp Genetics (formerly Invitae), Labcorp
Classification: Uncertain significance for Cernunnos-XLF deficiency. Last evaluated: 2024-05-06. Review status: criteria provided, single submitter. Criteria: Invitae Variant Classification Sherloc (09022015). Collection method: clinical testing. Allele origin: germline.
Comment: This sequence change replaces isoleucine, which is neutral and non-polar, with threonine, which is neutral and polar, at codon 195 of the NHEJ1 protein (p.Ile195Thr). This variant is present in population databases (rs757690167, gnomAD 0.006%). This variant has not been reported in the literature in individuals affected with NHEJ1-related conditions. ClinVar contains an entry for this variant (Variation ID: 2075201). Advanced modeling of protein sequence and biophysical properties (such as structural, functional, and spatial information, amino acid conservation, physicochemical variation, residue mobility, and thermodynamic stability) performed at Invitae indicates that this missense variant is not expected to disrupt NHEJ1 protein function with a negative predictive value of 80%. In summary, the available evidence is currently insufficient to determine the role of this variant in disease. Therefore, it has been classified as a Variant of Uncertain Significance.